The following is an entry in ClinVar:

ClinVar aggregate classification (germline): Uncertain significance (1 of 4 stars; one submission).

Submission:

CeGaT Center for Human Genetics Tuebingen
Classification: Uncertain significance. Last evaluated: 2024-08-01. Review status: criteria provided, single submitter. Criteria: CeGaT Center For Human Genetics Tuebingen Variant Classification Criteria Version 2. Collection method: clinical testing. Allele origin: germline. Affected: yes. Observed: 1 variant allele.
Comment: PLEKHG4: PM2, BP4

NM_001129729.3(PLEKHG4):c.2048G>A (p.Gly683Glu)

Gene: PLEKHG4 (pleckstrin homology and RhoGEF domain containing G4; plus strand). Cytogenetic location: 16q22.1.
Variant type: single nucleotide variant.
Coding change: c.2048G>A on transcript NM_001129729.3 (MANE Select); coding-DNA position 2048, G replaced by A.
Protein change: p.Gly683Glu; replaces glycine 683 with glutamic acid.
Molecular consequence: missense variant.
Genome position (GRCh38, 1-based): chr16:67,285,068, G>A. VCF-style: chr16-67285068-G-A. GRCh37 (hg19) VCF-style: chr16-67318971-G-A.
Other names: c.2048G>A, p.Gly683Glu (NM_001129727.3, NM_001129728.2); c.1805G>A, p.Gly602Glu (NM_001129731.3); short protein forms G602E, G683E.
Identifiers: ClinVar variation 3342049 (VCV003342049.16).